The following is an entry in ClinVar:

NM_000038.6(APC):c.1958+11_1958+12del

Gene: APC (APC regulator of Wnt signaling pathway; plus strand). Cytogenetic location: 5q22.2.
Variant type: Microsatellite.
Coding change: c.1958+11_1958+12del on transcript NM_000038.6 (MANE Select); bases 11 to 12 of the intron after coding-DNA position 1958, 2 bases deleted (AG; older notation c.1958+11_1958+12delAG).
Molecular consequence: intron variant.
Genome position (GRCh38, 1-based): chr5:112,835,176-112,835,177, AG deleted; deleting any 2 consecutive bases within chr5:112,835,174-112,835,177 gives the same sequence; the c. name uses the placement nearest the transcript's 3' end. VCF-style (leftmost placement, unchanged base first): chr5-112835173-TAG-T. GRCh37 (hg19) VCF-style: chr5-112170870-TAG-T.
Other names: c.1958+11_1958+12delAG (NM_000038.5); c.1958+11_1958+12del (NM_001354895.2, NM_001127510.3); c.1988+11_1988+12del (NM_001354897.2); c.1685+11_1685+12del (NM_001354902.2); c.1904+11_1904+12del (NM_001127511.3); c.1883+11_1883+12del (NM_001354898.2); c.1580+11_1580+12del (NM_001354904.2); c.1109+11_1109+12del (NM_001354906.2); and 6 more.
Identifiers: ClinVar variation 490233 (VCV000490233.12), dbSNP rs1554083267, ClinGen allele CA658683418.
Genomic context (GRCh38, chr5:112,835,173, plus strand): 5'-GGTGGGATATTACGGAATGTGTCCAGCTTGATAGCTACAAATGAGGACCACAGGTATATA[TAG>T]AGTTTTATATTACTTTTAAAGTACAGAATTCATACTCTCAAAAAGACCTAATTGTAAGCA-3'

ClinVar aggregate classification (germline): Benign/Likely benign. Review status: criteria provided, multiple submitters, no conflicts (2 of 4 stars). 3 submissions from 3 submitters: Benign (1); Likely benign (2). Last evaluated 2024-03-07.

Conditions:
Familial adenomatous polyposis 1 (FAP1). Also called: POLYPOSIS, ADENOMATOUS INTESTINAL; FAMILIAL ADENOMATOUS POLYPOSIS 1, ATTENUATED. Identifiers: MedGen C2713442, MONDO:0021056, OMIM 175100. Disease mechanism: loss of function.
Hereditary cancer-predisposing syndrome. Also called: Hereditary Cancer Syndrome; Neoplastic Syndromes, Hereditary; Tumor predisposition; Hereditary neoplastic syndrome. Identifiers: Orphanet 140162, MedGen C0027672, MeSH D009386, MONDO:0015356.

Submissions (3):

Myriad Genetics, Inc.
Classification: Benign for Familial adenomatous polyposis 1. Last evaluated: 2024-03-07. Review status: criteria provided, single submitter. Criteria: Myriad Autosomal Dominant, Autosomal Recessive and X-Linked Classification Criteria (2023). Collection method: clinical testing. Allele origin: unknown.
Comment: This variant is considered benign. This variant is intronic and is not expected to impact mRNA splicing.

Labcorp Genetics (formerly Invitae), Labcorp
Classification: Likely benign for Familial adenomatous polyposis 1. Last evaluated: 2023-08-31. Review status: criteria provided, single submitter. Criteria: Invitae Variant Classification Sherloc (09022015). Collection method: clinical testing. Allele origin: germline.

Color Diagnostics, LLC DBA Color Health
Classification: Likely benign for Hereditary cancer-predisposing syndrome. Last evaluated: 2017-08-23. Review status: criteria provided, single submitter. Criteria: ACMG Guidelines, 2015. Collection method: clinical testing. Allele origin: germline.